The following is an entry in ClinVar:

NM_003120.3(SPI1):c.494-5C>G

Gene: SPI1 (Spi-1 proto-oncogene; minus strand). Cytogenetic location: 11p11.2.
Variant type: single nucleotide variant.
Coding change: c.494-5C>G on transcript NM_003120.3 (MANE Select); 5 bases into the intron before coding-DNA position 494, C replaced by G.
Molecular consequence: intron variant.
Genome position (GRCh38, 1-based): chr11:47,355,551, G>C on the plus strand (C>G on the coding strand, the complement: SPI1 is on the minus strand). VCF-style: chr11-47355551-G-C. GRCh37 (hg19) VCF-style: chr11-47377102-G-C.
Other names: NC_000011.9:g.47377102G>C; c.497-5C>G (NM_001080547.2).
Identifiers: ClinVar variation 4372093 (VCV004372093.2).
Genomic context (GRCh38, chr11:47,355,551, plus strand): 5'-GCCGCTGCGGAGCAGGTCCAACAGGAACTGGTACAGGCGGATCTTCTTCTTGCTGCCTGC[G>C]GGGGGGAGGGCCCGGTGGGAGGGGGCCCGGGGCCCACATGGGAGCCGCCCCCACCGCCTT-3'

ClinVar aggregate classification (germline): Likely benign (1 of 4 stars; one submission).

gnomAD v4.1: 434 of 1,543,286 alleles (0.028%); highest among the groups gnomAD compares: South Asian, 0.2%; 4 homozygotes.

Submissions (2):

CeGaT Center for Human Genetics Tuebingen
Classification: Likely benign. Last evaluated: 2026-09-01. Review status: criteria provided, single submitter. Criteria: CeGaT Center For Human Genetics Tuebingen Variant Classification Criteria Version 2. Collection method: clinical testing. Allele origin: germline. Affected: yes. Observed: 1 variant allele.
Comment: SPI1: BP4, BS1

Dr. Peter K. Rogan Lab, Western University
No classification provided (evidence only). Condition: Ovarian serous cystadenocarcinoma. Review status: no classification provided. Collection method: in vitro. Allele origin: not applicable. Functional consequence: retained intron. Not counted in ClinVar's aggregate classification.